The following is an entry in ClinVar:

NM_001458.5(FLNC):c.964G>T (p.Glu322Ter)

Gene: FLNC (filamin C; plus strand). Cytogenetic location: 7q32.1.
Variant type: single nucleotide variant.
Coding change: c.964G>T on transcript NM_001458.5 (MANE Select); coding-DNA position 964, G replaced by T.
Protein change: p.Glu322Ter; replaces glutamic acid 322 with a stop codon.
Molecular consequence: nonsense.
Genome position (GRCh38, 1-based): chr7:128,837,750, G>T. VCF-style: chr7-128837750-G-T. GRCh37 (hg19) VCF-style: chr7-128477804-G-T.
Other names: c.964G>T, p.Glu322Ter (NM_001127487.2); short protein forms E322*.
Identifiers: ClinVar variation 853279 (VCV000853279.8), dbSNP rs1417082178, ClinGen allele CA369223273.
Genomic context (GRCh38, chr7:128,837,750, plus strand): 5'-ACGGTGGACGCGGGCGTGGGCGAGGTGCTGGTCTACATCGAGGACCCTGAAGGCCACACC[G>T]AGGAGGTATGCAGAGGCCGCTGGGGACAGAGGGATTCACTTGGGATTGGAACCAGAGAGC-3'

ClinVar aggregate classification (germline): Pathogenic (1 of 4 stars; one submission).

Conditions:
Myofibrillar myopathy 5. Also called: FILAMINOPATHY, AUTOSOMAL DOMINANT; Filaminopathy (type). Identifiers: Orphanet 171445, MedGen C1836050, MONDO:0012289, OMIM 609524.
Distal myopathy with posterior leg and anterior hand involvement. Also called: WILLIAMS DISTAL MYOPATHY. Identifiers: Orphanet 63273, MedGen C3279722, MONDO:0013550, OMIM 614065.
Hypertrophic cardiomyopathy 26. Also called: Cardiomyopathy, familial hypertrophic, 26. Identifiers: Orphanet 75249, MedGen C4310749, MONDO:0014883, OMIM 617047.

Submission:

Labcorp Genetics (formerly Invitae), Labcorp
Classification: Pathogenic for Distal myopathy with posterior leg and anterior hand involvement; Myofibrillar myopathy 5; Hypertrophic cardiomyopathy 26. Last evaluated: 2023-12-13. Review status: criteria provided, single submitter. Criteria: Invitae Variant Classification Sherloc (09022015). Collection method: clinical testing. Allele origin: germline.
Comment: This sequence change creates a premature translational stop signal (p.Glu322*) in the FLNC gene. It is expected to result in an absent or disrupted protein product. Loss-of-function variants in FLNC are known to be pathogenic (PMID: 27908349). This variant is not present in population databases (gnomAD no frequency). This variant has not been reported in the literature in individuals affected with FLNC-related conditions. ClinVar contains an entry for this variant (Variation ID: 853279). For these reasons, this variant has been classified as Pathogenic.

Literature cited by the submitters: PubMed 27908349.